The following is an entry in ClinVar:

ClinVar aggregate classification (germline): Likely benign. Review status: criteria provided, single submitter (1 of 4 stars). 2 submissions from 2 submitters: Likely benign (1). 1 of the submissions does not count toward it. Last evaluated 2025-09-05.

Conditions:
NCF2-related disorder. Also called: NCF2-related condition.
Granulomatous disease, chronic, autosomal recessive, cytochrome b-positive, type 2. Also called: CGD, AUTOSOMAL RECESSIVE CYTOCHROME b-POSITIVE, TYPE II; GRANULOMATOUS DISEASE, CHRONIC, AUTOSOMAL RECESSIVE, 2; Chronic granulomatous disease due to deficiency of NCF-2; Chronic Granulomatous Disease, Autosomal Recessive, Cytochrome b-Positive, Type II; GRANULOMATOUS DISEASE, CHRONIC, DUE TO NCF2 DEFICIENCY. Identifiers: Orphanet 379, MedGen C1856245, MONDO:0009310, OMIM 233710.

Allele frequency attached by ClinVar (database versions not stated): ExAC 0.00001; gnomAD 0.00001; TOPMed 0.00001; gnomAD exomes 0.00002.
gnomAD v4.1: 30 of 1,614,038 alleles (0.0019%); highest among the groups gnomAD compares: Non-Finnish European, 0.0023%; no homozygotes.

Submissions (2):

Labcorp Genetics (formerly Invitae), Labcorp
Classification: Likely benign for Granulomatous disease, chronic, autosomal recessive, cytochrome b-positive, type 2. Last evaluated: 2025-09-05. Review status: criteria provided, single submitter. Criteria: Invitae Variant Classification Sherloc (09022015). Collection method: clinical testing. Allele origin: germline.

PreventionGenetics, part of Exact Sciences
Classification: Likely benign for NCF2-related condition. Last evaluated: 2019-06-20. Review status: no assertion criteria provided. Collection method: clinical testing. Allele origin: germline. Not counted in ClinVar's aggregate classification.
Comment: This variant is classified as likely benign based on ACMG/AMP sequence variant interpretation guidelines (Richards et al. 2015 PMID: 25741868, with internal and published modifications).

NM_000433.4(NCF2):c.759T>C (p.Pro253=)

Gene: NCF2 (neutrophil cytosolic factor 2; minus strand). Cytogenetic location: 1q25.3.
Variant type: single nucleotide variant.
Coding change: c.759T>C on transcript NM_000433.4 (MANE Select); coding-DNA position 759, T replaced by C.
Protein change: p.Pro253=; no amino-acid change (proline 253 retained).
Molecular consequence: synonymous variant.
Genome position (GRCh38, 1-based): chr1:183,567,300, A>G on the plus strand (T>C on the coding strand, the complement: NCF2 is on the minus strand). VCF-style: chr1-183567300-A-G. GRCh37 (hg19) VCF-style: chr1-183536435-A-G.
Other names: c.759T>C, p.Pro253= (NM_001127651.3); c.516T>C, p.Pro172= (NM_001190789.2); c.624T>C, p.Pro208= (NM_001190794.2); c.651T>C, p.Pro217= (NM_001410895.1).
Identifiers: ClinVar variation 1981586 (VCV001981586.6), dbSNP rs776822572, ClinGen allele CA1284808.